The following is an entry in ClinVar:

NM_001082486.2(ACD):c.801C>T (p.Ala267=)

Gene: ACD (ACD shelterin complex subunit and telomerase recruitment factor; minus strand). Cytogenetic location: 16q22.1.
Variant type: single nucleotide variant.
Coding change: c.801C>T on transcript NM_001082486.2 (MANE Select); coding-DNA position 801, C replaced by T.
Protein change: p.Ala267=; no amino-acid change (alanine 267 retained).
Molecular consequence: synonymous variant.
Genome position (GRCh38, 1-based): chr16:67,658,583, G>A on the plus strand (C>T on the coding strand, the complement: ACD is on the minus strand). VCF-style: chr16-67658583-G-A. GRCh37 (hg19) VCF-style: chr16-67692486-G-A.
Other names: c.792C>T, p.Ala264= (NM_022914.3); c.801C>T, p.Ala267= (LRG_1237t1).
Identifiers: ClinVar variation 542420 (VCV000542420.20), dbSNP rs72549181, ClinGen allele CA8114528.

ClinVar aggregate classification (germline): Benign/Likely benign. Review status: criteria provided, multiple submitters, no conflicts (2 of 4 stars). 6 submissions from 6 submitters: Benign (3); Likely benign (2). 1 of the submissions does not count toward it. Last evaluated 2026-01-26.

Conditions:
ACD-related disorder. Also called: ACD-related condition.
Inborn genetic diseases. Identifiers: MedGen C0950123, MeSH D030342.
Dyskeratosis congenita, autosomal dominant 6 (DKCA6). Identifiers: Orphanet 3322, MedGen C4225284, MONDO:0014690, OMIM 616553.

Allele frequency attached by ClinVar (database versions not stated): gnomAD exomes 0.00044 and 0.00151; ExAC 0.00189; gnomAD 0.00501 and 0.00530; TOPMed 0.00541; ESP Exome Variant Server 0.00600; 1000 Genomes Project 0.00799; 1000 Genomes Project 30x 0.00859.
gnomAD v4.1: 1,433 of 1,572,944 alleles (0.091%); highest among the groups gnomAD compares: African/African-American, 1.7%; 5 homozygotes.

Submissions (6):

Labcorp Genetics (formerly Invitae), Labcorp
Classification: Benign for Dyskeratosis congenita, autosomal dominant 6. Last evaluated: 2026-01-26. Review status: criteria provided, single submitter. Criteria: Invitae Variant Classification Sherloc (09022015). Collection method: clinical testing. Allele origin: germline.

Center for Genomic Medicine, Rigshospitalet, Copenhagen University Hospital
Classification: Benign. Last evaluated: 2025-03-04. Review status: criteria provided, single submitter. Criteria: ACMG Guidelines, 2015. Collection method: clinical testing. Allele origin: germline.

Blueprint Genetics
Classification: Likely benign. Last evaluated: 2024-11-17. Review status: criteria provided, single submitter. Criteria: ACMG Guidelines, 2015. Collection method: clinical testing. Allele origin: germline.

Ambry Genetics
Classification: Likely benign for Inborn genetic diseases. Last evaluated: 2022-02-12. Review status: criteria provided, single submitter. Criteria: Ambry Variant Classification Scheme 2023. Collection method: clinical testing. Allele origin: germline.

Breakthrough Genomics
Classification: Benign. Review status: criteria provided, single submitter. Criteria: ACMG Guidelines, 2015. Collection method: not provided. Allele origin: germline. Inheritance: Autosomal dominant inheritance. Affected: yes.

PreventionGenetics, part of Exact Sciences
Classification: Benign for ACD-related condition. Last evaluated: 2019-07-31. Review status: no assertion criteria provided. Collection method: clinical testing. Allele origin: germline. Not counted in ClinVar's aggregate classification.
Comment: This variant is classified as benign based on ACMG/AMP sequence variant interpretation guidelines (Richards et al. 2015 PMID: 25741868, with internal and published modifications).